The following is an entry in ClinVar:

NM_001378969.1(KCND3):c.468C>G (p.Asn156Lys)

Gene: KCND3 (potassium voltage-gated channel subfamily D member 3; minus strand). Cytogenetic location: 1p13.2.
Variant type: single nucleotide variant.
Coding change: c.468C>G on transcript NM_001378969.1 (MANE Select); coding-DNA position 468, C replaced by G.
Protein change: p.Asn156Lys; replaces asparagine 156 with lysine.
Molecular consequence: missense variant.
Genome position (GRCh38, 1-based): chr1:111,982,259, G>C on the plus strand (C>G on the coding strand, the complement: KCND3 is on the minus strand). VCF-style: chr1-111982259-G-C. GRCh37 (hg19) VCF-style: chr1-112524881-G-C.
Other names: c.468C>G, p.Asn156Lys (NM_001378970.1, NM_004980.5, NM_172198.3); short protein forms N156K.
Identifiers: ClinVar variation 3862707 (VCV003862707.1).

ClinVar aggregate classification (germline): Uncertain significance (1 of 4 stars; one submission).

Conditions:
Cardiovascular phenotype. Identifiers: MedGen CN230736.

Submission:

Ambry Genetics
Classification: Uncertain significance for Cardiovascular phenotype. Last evaluated: 2025-02-20. Review status: criteria provided, single submitter. Criteria: Ambry Variant Classification Scheme 2023. Collection method: clinical testing. Allele origin: germline.
Comment: The p.N156K variant (also known as c.468C>G), located in coding exon 1 of the KCND3 gene, results from a C to G substitution at nucleotide position 468. The asparagine at codon 156 is replaced by lysine, an amino acid with similar properties. This amino acid position is conserved. In addition, the in silico prediction for this alteration is inconclusive. Based on the available evidence, the clinical significance of this variant remains unclear.